The following is an entry in ClinVar:

NM_018433.6(KDM3A):c.3783T>G (p.Ala1261=)

Gene: KDM3A (lysine demethylase 3A; plus strand). Cytogenetic location: 2p11.2.
Variant type: single nucleotide variant.
Coding change: c.3783T>G on transcript NM_018433.6 (MANE Select); coding-DNA position 3783, T replaced by G.
Protein change: p.Ala1261=; no amino-acid change (alanine 1261 retained).
Molecular consequence: synonymous variant.
Genome position (GRCh38, 1-based): chr2:86,491,173, T>G. VCF-style: chr2-86491173-T-G. GRCh37 (hg19) VCF-style: chr2-86718296-T-G.
Other names: c.3783T>G, p.Ala1261= (NM_001146688.2).
Identifiers: ClinVar variation 3038536 (VCV003038536.2), dbSNP rs61748136, ClinGen allele CA1750002.

ClinVar aggregate classification (germline): Benign (0 of 4 stars; one submission).

Conditions:
KDM3A-related disorder. Also called: KDM3A-related condition.

Allele frequency attached by ClinVar (database versions not stated): 1000 Genomes Project 30x 0.00094; 1000 Genomes Project 0.00120; TOPMed 0.00182; ESP Exome Variant Server 0.00223; gnomAD exomes 0.00259; ExAC 0.00305; gnomAD 0.00318.
gnomAD v4.1: 4,263 of 1,613,998 alleles (0.26%); highest among the groups gnomAD compares: Non-Finnish European, 0.29%; 19 homozygotes.

Submission:

PreventionGenetics, part of Exact Sciences
Classification: Benign for KDM3A-related condition. Last evaluated: 2019-03-05. Review status: no assertion criteria provided. Collection method: clinical testing. Allele origin: germline.
Comment: This variant is classified as benign based on ACMG/AMP sequence variant interpretation guidelines (Richards et al. 2015 PMID: 25741868, with internal and published modifications).